The following is an entry in ClinVar:

NM_001346754.2(PIGW):c.1132G>A (p.Val378Ile)

Genes: MYO19 (myosin XIX; minus strand), PIGW (phosphatidylinositol glycan anchor biosynthesis class W; plus strand). Cytogenetic location: 17q12.
Variant type: single nucleotide variant.
Coding change: c.1132G>A on transcript NM_001346754.2 (MANE Select); coding-DNA position 1132, G replaced by A.
Protein change: p.Val378Ile; replaces valine 378 with isoleucine.
Molecular consequence: missense variant.
Genome position (GRCh38, 1-based): chr17:36,538,233, G>A. VCF-style: chr17-36538233-G-A. GRCh37 (hg19) VCF-style: chr17-34894082-G-A.
Other names: c.1132G>A, p.Val378Ile (NM_001346755.2, NM_178517.5); c.1132G>A (NM_178517.3); short protein forms V378I.
Identifiers: ClinVar variation 1352945 (VCV001352945.7), dbSNP rs79448900, ClinGen allele CA290116617.

ClinVar aggregate classification (germline): Uncertain significance. Review status: criteria provided, multiple submitters, no conflicts (2 of 4 stars). 2 submissions from 2 submitters: Uncertain significance (2). Last evaluated 2024-08-06.

Conditions:
Inborn genetic diseases. Identifiers: MedGen C0950123, MeSH D030342.
Hyperphosphatasia with intellectual disability syndrome 5 (GPIBD11). Also called: GLYCOSYLPHOSPHATIDYLINOSITOL BIOSYNTHESIS DEFECT 11. Identifiers: Orphanet 247262, MedGen C4014958, MONDO:0014457, OMIM 616025.

gnomAD v4.1: 14 of 1,612,988 alleles (0.00087%); highest among the groups gnomAD compares: Non-Finnish European, 0.0012%; no homozygotes.

Submissions (2):

Labcorp Genetics (formerly Invitae), Labcorp
Classification: Uncertain significance for Hyperphosphatasia with intellectual disability syndrome 5. Last evaluated: 2024-08-06. Review status: criteria provided, single submitter. Criteria: Invitae Variant Classification Sherloc (09022015). Collection method: clinical testing. Allele origin: germline.
Comment: This sequence change replaces valine, which is neutral and non-polar, with isoleucine, which is neutral and non-polar, at codon 378 of the PIGW protein (p.Val378Ile). This variant is present in population databases (rs79448900, gnomAD 0.002%). This variant has not been reported in the literature in individuals affected with PIGW-related conditions. ClinVar contains an entry for this variant (Variation ID: 1352945). Advanced modeling of protein sequence and biophysical properties (such as structural, functional, and spatial information, amino acid conservation, physicochemical variation, residue mobility, and thermodynamic stability) performed at Invitae indicates that this missense variant is not expected to disrupt PIGW protein function with a negative predictive value of 80%. In summary, the available evidence is currently insufficient to determine the role of this variant in disease. Therefore, it has been classified as a Variant of Uncertain Significance.

Ambry Genetics
Classification: Uncertain significance for Inborn genetic diseases. Last evaluated: 2023-12-30. Review status: criteria provided, single submitter. Criteria: Ambry Variant Classification Scheme 2023. Collection method: clinical testing. Allele origin: germline.